The following is an entry in ClinVar:

NM_032043.3(BRIP1):c.679C>T (p.Gln227Ter)

Gene: BRIP1 (BRCA1 interacting DNA helicase 1; minus strand). Cytogenetic location: 17q23.2.
Variant type: single nucleotide variant.
Coding change: c.679C>T on transcript NM_032043.3 (MANE Select); coding-DNA position 679, C replaced by T.
Protein change: p.Gln227Ter; replaces glutamine 227 with a stop codon.
Molecular consequence: nonsense.
Genome position (GRCh38, 1-based): chr17:61,808,706, G>A on the plus strand (C>T on the coding strand, the complement: BRIP1 is on the minus strand). VCF-style: chr17-61808706-G-A. GRCh37 (hg19) VCF-style: chr17-59886067-G-A.
Other names: short protein forms Q227*.
Identifiers: ClinVar variation 826624 (VCV000826624.31), dbSNP rs45459799, ClinGen allele CA400485144.

ClinVar aggregate classification (germline): Pathogenic/Likely pathogenic. Review status: criteria provided, multiple submitters, no conflicts (2 of 4 stars). 6 submissions from 6 submitters: Pathogenic (3); Likely pathogenic (1). 2 of the submissions do not count toward it. Last evaluated 2023-12-19.

Conditions:
Hereditary cancer-predisposing syndrome. Also called: Neoplastic Syndromes, Hereditary; Tumor predisposition; Hereditary Cancer Syndrome; Hereditary neoplastic syndrome. Identifiers: Orphanet 140162, MedGen C0027672, MeSH D009386, MONDO:0015356.
Familial cancer of breast. Also called: hereditary breast carcinoma; BREAST CANCER, FAMILIAL; Hereditary breast cancer. Identifiers: Orphanet 227535, MedGen C0346153, MONDO:0016419, OMIM 114480. Disease mechanism: loss of function.
Fanconi anemia complementation group J. Also called: BRIP1-Related Fanconi Anemia. Identifiers: Orphanet 84, MedGen C1836860, MONDO:0012187, OMIM 609054.
Gastric cancer. Also called: Stomach cancer; Malignant tumor of stomach. Identifiers: MedGen C0024623, MeSH D013274, MONDO:0001056, OMIM 613659, HP:0012126.

Submissions (6):

Myriad Genetics, Inc.
Classification: Pathogenic for Familial cancer of breast. Last evaluated: 2023-12-19. Review status: criteria provided, single submitter. Criteria: Myriad Autosomal Dominant, Autosomal Recessive and X-Linked Classification Criteria (2023). Collection method: clinical testing. Allele origin: unknown.
Comment: This variant is considered pathogenic. This variant creates a termination codon and is predicted to result in premature protein truncation.

Women's Health and Genetics/Laboratory Corporation of America, LabCorp
Classification: Likely pathogenic for Fanconi anemia complementation group J. Last evaluated: 2022-06-08. Review status: criteria provided, single submitter. Criteria: LabCorp Variant Classification Summary - May 2015. Collection method: clinical testing. Allele origin: germline.
Comment: Variant summary: BRIP1 c.679C>T (p.Gln227X) results in a premature termination codon, predicted to cause a truncation of the encoded protein or absence of the protein due to nonsense mediated decay, which are commonly known mechanisms for disease. Truncations downstream of this position have been classified as pathogenic by our laboratory for HBOC. The variant was absent in 250948 control chromosomes (gnomAD). c.679C>T has not been reported in the literature in individuals affected with Fanconi Anemia Complementation Group J but may increase the risk of HBOC. At least one publication reports experimental evidence demonstrating that this variant fail to robustly restore resistance to ICL-inducing agents, cisplatin or mitomycin C (Calvo_2021). Three submitters have provided clinical-significance assessments for this variant to ClinVar after 2014 and all classified the variant as pathogenic. Based on the evidence outlined above, the variant was classified as likely pathogenic.

Labcorp Genetics (formerly Invitae), Labcorp
Classification: Pathogenic for Familial cancer of breast; Fanconi anemia complementation group J. Last evaluated: 2019-08-23. Review status: criteria provided, single submitter. Criteria: Invitae Variant Classification Sherloc (09022015). Collection method: clinical testing. Allele origin: germline.
Comment: For these reasons, this variant has been classified as Pathogenic. Loss-of-function variants in BRIP1 are known to be pathogenic (PMID: 16116423, 17033622, 21964575). This variant has not been reported in the literature in individuals with BRIP1-related conditions. This variant is not present in population databases (ExAC no frequency). This sequence change creates a premature translational stop signal (p.Gln227*) in the BRIP1 gene. It is expected to result in an absent or disrupted protein product.

Ambry Genetics
Classification: Pathogenic for Hereditary cancer-predisposing syndrome. Last evaluated: 2019-04-25. Review status: criteria provided, single submitter. Criteria: Ambry Variant Classification Scheme 2023. Collection method: clinical testing. Allele origin: germline.
Comment: The p.Q227* pathogenic mutation (also known as c.679C>T), located in coding exon 6 of the BRIP1 gene, results from a C to T substitution at nucleotide position 679. This changes the amino acid from a glutamine to a stop codon within coding exon 6. This alteration is expected to result in loss of function by premature protein truncation or nonsense-mediated mRNA decay. As such, this alteration is interpreted as a disease-causing mutation.

Laboratory for Genotyping Development, RIKEN
Classification: Pathogenic for Gastric cancer. Last evaluated: 2021-07-01. Review status: no assertion criteria provided. Collection method: research. Allele origin: germline. Not counted in ClinVar's aggregate classification.

Leiden Open Variation Database
Classification: Pathogenic. Last evaluated: 2019-08-13. Review status: no assertion criteria provided. Collection method: curation. Allele origin: germline. Affected: yes. Not counted in ClinVar's aggregate classification.
Comment: Curator: Arleen D. Auerbach. Submitter to LOVD: Yukihide Momozawa.

Literature cited by the submitters: PubMed 32980694 (cited by Women's Health and Genetics/Laboratory Corporation of America, LabCorp); PubMed 33619228 (cited by Women's Health and Genetics/Laboratory Corporation of America, LabCorp); PubMed 16116423 (cited by Labcorp Genetics (formerly Invitae), Labcorp); PubMed 17033622 (cited by Labcorp Genetics (formerly Invitae), Labcorp); PubMed 21964575 (cited by Labcorp Genetics (formerly Invitae), Labcorp); PubMed 36988593 (cited by Laboratory for Genotyping Development, RIKEN); PubMed 31214711 (cited by Leiden Open Variation Database).